The following is an entry in ClinVar:

NM_001191057.4(PDE1C):c.1082+1G>A

Gene: PDE1C (phosphodiesterase 1C; minus strand). Cytogenetic location: 7p14.3.
Variant type: single nucleotide variant.
Coding change: c.1082+1G>A on transcript NM_001191057.4 (MANE Select); the canonical splice donor site of the intron after coding-DNA position 1082, G replaced by A.
Molecular consequence: splice donor variant.
Genome position (GRCh38, 1-based): chr7:31,837,869, C>T on the plus strand (G>A on the coding strand, the complement: PDE1C is on the minus strand). VCF-style: chr7-31837869-C-T. GRCh37 (hg19) VCF-style: chr7-31877483-C-T.
Other names: NC_000007.13:g.31877483C>T; c.1262+1G>A (NM_001191058.4, NM_001322058.2); c.1082+1G>A (NM_001191059.4, NM_001322055.2, NM_005020.5 and 3 more transcripts); c.1487+1G>A (NM_001322059.2).
Identifiers: ClinVar variation 4337067 (VCV004337067.2).

ClinVar aggregate classification (germline): Uncertain significance (1 of 4 stars; one submission).

Conditions:
Hearing loss, autosomal dominant 74. Also called: DEAFNESS, AUTOSOMAL DOMINANT 74. Identifiers: MedGen C4748334, MONDO:0029137, OMIM 618140.

gnomAD v4.1: 8 of 1,603,218 alleles (0.0005%); highest among the groups gnomAD compares: African/African-American, 0.004%; no homozygotes.

Submissions (2):

Clinical Genomics Laboratory, Washington University in St. Louis
Classification: Uncertain significance for Hearing loss, autosomal dominant 74. Last evaluated: 2025-11-13. Review status: criteria provided, single submitter. Criteria: ACMG Guidelines, 2015. Collection method: clinical testing. Allele origin: germline.
Comment: The PDE1C c.1082+1G>A variant, to our knowledge, has not been reported in the medical literature. This variant is absent from the general population (gnomAD v.2.1.1), indicating it is not a common variant. This variant occurs within the canonical splice donor site, which is predicted to cause skipping of the exon, leading to an in-frame transcript. Due to limited information, the clinical significance of this variant is uncertain.

Dr. Peter K. Rogan Lab, Western University
No classification provided (evidence only). Condition: Glioma susceptibility 1. Review status: no classification provided. Collection method: in vitro. Allele origin: not applicable. Functional consequence: skipped exon, retained intron. Not counted in ClinVar's aggregate classification.